The following is an entry in ClinVar:

ClinVar aggregate classification (germline): Uncertain significance (1 of 4 stars; one submission).

Submission:

GeneDx
Classification: Uncertain significance. Last evaluated: 2026-04-14. Review status: criteria provided, single submitter. Criteria: GeneDx Variant Classification Process June 2021. Collection method: clinical testing. Allele origin: germline.
Comment: Not observed at significant frequency in large population cohorts (gnomAD); In silico analysis supports that this missense variant has a deleterious effect on protein structure/function; Has not been previously published as pathogenic or benign to our knowledge

NM_004770.3(KCNB2):c.1307G>C (p.Arg436Thr)

Gene: KCNB2 (potassium voltage-gated channel subfamily B member 2; plus strand). Cytogenetic location: 8q21.11.
Variant type: single nucleotide variant.
Coding change: c.1307G>C on transcript NM_004770.3 (MANE Select); coding-DNA position 1307, G replaced by C.
Protein change: p.Arg436Thr; replaces arginine 436 with threonine.
Molecular consequence: missense variant.
Genome position (GRCh38, 1-based): chr8:72,936,662, G>C. VCF-style: chr8-72936662-G-C. GRCh37 (hg19) VCF-style: chr8-73848897-G-C.
Other names: short protein forms R436T.
Identifiers: ClinVar variation 5037189 (VCV005037189.1).